The following is an entry in ClinVar:

ClinVar aggregate classification (germline): Uncertain significance (1 of 4 stars; one submission).

Conditions:
Autosomal dominant childhood-onset proximal spinal muscular atrophy with contractures (SMALED2A). Also called: SPINAL MUSCULAR ATROPHY, LOWER EXTREMITY-PREDOMINANT, 2A, CHILDHOOD ONSET, AUTOSOMAL DOMINANT; Spinal muscular atrophy, lower extremity-predominant, 2A, autosomal dominant. Identifiers: Orphanet 363447, Orphanet 363454, MedGen C4747715, MONDO:0014121, OMIM 615290.

Allele frequency attached by ClinVar (database versions not stated): gnomAD exomes below 0.00001.
gnomAD v4.1: 1 of 1,614,192 alleles (0.000062%); highest among the groups gnomAD compares: Non-Finnish European, 0.000085%; no homozygotes.

Submission:

Labcorp Genetics (formerly Invitae), Labcorp
Classification: Uncertain significance for Autosomal dominant childhood-onset proximal spinal muscular atrophy with contractures. Last evaluated: 2023-11-24. Review status: criteria provided, single submitter. Criteria: Invitae Variant Classification Sherloc (09022015). Collection method: clinical testing. Allele origin: germline.
Comment: This sequence change replaces glutamic acid, which is acidic and polar, with aspartic acid, which is acidic and polar, at codon 245 of the BICD2 protein (p.Glu245Asp). This variant is not present in population databases (gnomAD no frequency). This variant has not been reported in the literature in individuals affected with BICD2-related conditions. ClinVar contains an entry for this variant (Variation ID: 1464477). Advanced modeling of protein sequence and biophysical properties (such as structural, functional, and spatial information, amino acid conservation, physicochemical variation, residue mobility, and thermodynamic stability) performed at Invitae indicates that this missense variant is not expected to disrupt BICD2 protein function with a negative predictive value of 80%. In summary, the available evidence is currently insufficient to determine the role of this variant in disease. Therefore, it has been classified as a Variant of Uncertain Significance.

NM_001003800.2(BICD2):c.735G>C (p.Glu245Asp)

Gene: BICD2 (BICD cargo adaptor 2; minus strand). Cytogenetic location: 9q22.31.
Variant type: single nucleotide variant.
Coding change: c.735G>C on transcript NM_001003800.2 (MANE Select); coding-DNA position 735, G replaced by C.
Protein change: p.Glu245Asp; replaces glutamic acid 245 with aspartic acid.
Molecular consequence: missense variant.
Genome position (GRCh38, 1-based): chr9:92,720,627, C>G on the plus strand (G>C on the coding strand, the complement: BICD2 is on the minus strand). VCF-style: chr9-92720627-C-G. GRCh37 (hg19) VCF-style: chr9-95482909-C-G.
Other names: c.735G>C, p.Glu245Asp (NM_015250.4); short protein forms E245D.
Identifiers: ClinVar variation 1464477 (VCV001464477.6), dbSNP rs2131502587, ClinGen allele CA374043762.